The following is an entry in ClinVar:

ClinVar aggregate classification (germline): Pathogenic (1 of 4 stars; one submission).

Allele frequency attached by ClinVar (database versions not stated): ExAC 0.00001; gnomAD exomes 0.00001.

Submission:

Labcorp Genetics (formerly Invitae), Labcorp
Classification: Pathogenic. Last evaluated: 2022-06-24. Review status: criteria provided, single submitter. Criteria: Invitae Variant Classification Sherloc (09022015). Collection method: clinical testing. Allele origin: germline.
Comment: For these reasons, this variant has been classified as Pathogenic. This variant has not been reported in the literature in individuals affected with ABCA4-related conditions. This variant is present in population databases (rs761689153, gnomAD 0.003%). This sequence change creates a premature translational stop signal (p.His964Profs*13) in the ABCA4 gene. It is expected to result in an absent or disrupted protein product. Loss-of-function variants in ABCA4 are known to be pathogenic (PMID: 10958761, 24938718, 25312043, 26780318).

Literature cited by the submitters: PubMed 10958761; PubMed 24938718; PubMed 25312043; PubMed 26780318.

NM_000350.3(ABCA4):c.2891del (p.His964fs)

Gene: ABCA4 (ATP binding cassette subfamily A member 4; minus strand). Cytogenetic location: 1p22.1.
Variant type: Deletion.
Coding change: c.2891del on transcript NM_000350.3 (MANE Select); coding-DNA position 2891, one base deleted (A; older notation c.2891delA).
Protein change: p.His964fs; shifts the reading frame from histidine 964.
Molecular consequence: frameshift variant.
Genome position (GRCh38, 1-based): chr1:94,046,946, T deleted on the plus strand (A on the coding strand, the reverse complement: ABCA4 is on the minus strand). VCF-style (leftmost placement, unchanged base first): chr1-94046945-GT-G. GRCh37 (hg19) VCF-style: chr1-94512501-GT-G.
Other names: c.2669delA, p.His890Profs (NM_001425324.1); short protein forms H964fs.
Identifiers: ClinVar variation 2010152 (VCV002010152.4), dbSNP rs761689153, ClinGen allele CA958125.